The following is an entry in ClinVar:

ClinVar aggregate classification (germline): Uncertain significance (1 of 4 stars; one submission).

Conditions:
Alstrom syndrome (ALMS). Identifiers: Orphanet 64, MedGen C0268425, MONDO:0008763, OMIM 203800.

Allele frequency attached by ClinVar (database versions not stated): gnomAD exomes below 0.00001.
gnomAD v4.1: 2 of 1,613,904 alleles (0.00012%); highest among the groups gnomAD compares: African/African-American, 0.0013%; no homozygotes.

Submission:

Labcorp Genetics (formerly Invitae), Labcorp
Classification: Uncertain significance for Alstrom syndrome. Last evaluated: 2024-01-08. Review status: criteria provided, single submitter. Criteria: Invitae Variant Classification Sherloc (09022015). Collection method: clinical testing. Allele origin: germline.
Comment: This sequence change replaces threonine, which is neutral and polar, with alanine, which is neutral and non-polar, at codon 500 of the ALMS1 protein (p.Thr500Ala). This variant is not present in population databases (gnomAD no frequency). This variant has not been reported in the literature in individuals affected with ALMS1-related conditions. ClinVar contains an entry for this variant (Variation ID: 1442344). Experimental studies and prediction algorithms are not available or were not evaluated, and the functional significance of this variant is currently unknown. In summary, the available evidence is currently insufficient to determine the role of this variant in disease. Therefore, it has been classified as a Variant of Uncertain Significance.

NM_001378454.1(ALMS1):c.1495A>G (p.Thr499Ala)

Gene: ALMS1 (ALMS1 centrosome and basal body associated protein; plus strand). Cytogenetic location: 2p13.1.
Variant type: single nucleotide variant.
Coding change: c.1495A>G on transcript NM_001378454.1 (MANE Select); coding-DNA position 1495, A replaced by G.
Protein change: p.Thr499Ala; replaces threonine 499 with alanine.
Molecular consequence: missense variant.
Genome position (GRCh38, 1-based): chr2:73,448,022, A>G. VCF-style: chr2-73448022-A-G. GRCh37 (hg19) VCF-style: chr2-73675152-A-G.
Other names: c.1498A>G, p.Thr500Ala (NM_015120.4); short protein forms T499A, T500A.
Identifiers: ClinVar variation 1442344 (VCV001442344.6), dbSNP rs2103771259, ClinGen allele CA347264568.